The following is an entry in ClinVar:

NM_000038.6(APC):c.2217T>A (p.Asp739Glu)

Gene: APC (APC regulator of Wnt signaling pathway; plus strand). Cytogenetic location: 5q22.2.
Variant type: single nucleotide variant.
Coding change: c.2217T>A on transcript NM_000038.6 (MANE Select); coding-DNA position 2217, T replaced by A.
Protein change: p.Asp739Glu; replaces aspartic acid 739 with glutamic acid.
Molecular consequence: missense variant.
Genome position (GRCh38, 1-based): chr5:112,837,811, T>A. VCF-style: chr5-112837811-T-A. GRCh37 (hg19) VCF-style: chr5-112173508-T-A.
Other names: c.2217T>A, p.Asp739Glu (NM_001127510.3, NM_001354895.2); c.2163T>A, p.Asp721Glu (NM_001127511.3); c.2271T>A, p.Asp757Glu (NM_001354896.2); c.2247T>A, p.Asp749Glu (NM_001354897.2); c.2142T>A, p.Asp714Glu (NM_001354898.2); c.2133T>A, p.Asp711Glu (NM_001354899.2); c.2094T>A, p.Asp698Glu (NM_001354900.2); c.2040T>A, p.Asp680Glu (NM_001354901.2); and 5 more; short protein forms D456E, D579E, D613E, D680E, D714E, D721E, D711E, D739E.
Identifiers: ClinVar variation 923027 (VCV000923027.6), dbSNP rs1765132671, ClinGen allele CA16026191.
Genomic context (GRCh38, chr5:112,837,811, plus strand): 5'-TATGGGAAGTGCTGCAGCTTTAAGGAATCTCATGGCAAATAGGCCTGCGAAGTACAAGGA[T>A]GCCAATATTATGTCTCCTGGCTCAAGCTTGCCATCTCTTCATGTTAGGAAACAAAAAGCC-3'
Protein context (NP_000029.2, residues 729-749): LMANRPAKYK[Asp739Glu]ANIMSPGSSL

ClinVar aggregate classification (germline): Uncertain significance. Review status: criteria provided, multiple submitters, no conflicts (2 of 4 stars). 2 submissions from 2 submitters: Uncertain significance (2). Last evaluated 2024-03-06.

Conditions:
Classic or attenuated familial adenomatous polyposis. Identifiers: MedGen CN372698, MONDO:0021057.
Hereditary cancer-predisposing syndrome. Also called: Neoplastic Syndromes, Hereditary; Tumor predisposition; Hereditary Cancer Syndrome; Hereditary neoplastic syndrome. Identifiers: Orphanet 140162, MedGen C0027672, MeSH D009386, MONDO:0015356.

Allele frequency attached by ClinVar (database versions not stated): gnomAD exomes below 0.00001.

Submissions (2):

Color Diagnostics, LLC DBA Color Health
Classification: Uncertain significance for Hereditary cancer-predisposing syndrome. Last evaluated: 2024-03-06. Review status: criteria provided, single submitter. Criteria: ACMG Guidelines, 2015. Collection method: clinical testing. Allele origin: germline.
Comment: This missense variant replaces aspartic acid with glutamic acid at codon 739 of the APC protein. Computational prediction suggests that this variant may not impact protein structure and function (internally defined REVEL score threshold <= 0.5, PMID: 27666373). To our knowledge, functional studies have not been reported for this variant. This variant has not been reported in individuals affected with APC-related disorders in the literature. This variant has not been identified in the general population by the Genome Aggregation Database (gnomAD). The available evidence is insufficient to determine the role of this variant in disease conclusively. Therefore, this variant is classified as a Variant of Uncertain Significance.

All of Us Research Program, National Institutes of Health
Classification: Uncertain significance for Classic or attenuated familial adenomatous polyposis. Last evaluated: 2023-05-04. Review status: criteria provided, single submitter. Criteria: ACMG Guidelines, 2015. Collection method: clinical testing. Allele origin: germline. Inheritance: Autosomal dominant inheritance. Observed: 1 variant allele, 1 heterozygote.
Comment: This missense variant replaces aspartic acid with glutamic acid at codon 739 of the APC protein. Computational prediction suggests that this variant may not impact protein structure and function (internally defined REVEL score threshold <= 0.5, PMID: 27666373). Splice site prediction tools suggest that this variant may not impact RNA splicing. To our knowledge, functional studies have not been performed for this variant. This variant has not been reported in individuals affected with hereditary cancer in the literature. This variant has not been identified in the general population by the Genome Aggregation Database (gnomAD). The available evidence is insufficient to determine the role of this variant in disease conclusively. Therefore, this variant is classified as a Variant of Uncertain Significance.

This study involves interpretation of variants in research participants for the purpose of population health screening. Participant phenotype was not available at the time of variant classification. Additional details can be found in publication PMID: 35346344, PMCID: PMC8962531